The following is an entry in ClinVar:

ClinVar aggregate classification (germline): Likely benign (1 of 4 stars; one submission).

gnomAD v4.1: 447 of 1,611,766 alleles (0.028%); highest among the groups gnomAD compares: Non-Finnish European, 0.02%; 2 homozygotes.

Submission:

CeGaT Center for Human Genetics Tuebingen
Classification: Likely benign. Last evaluated: 2025-06-01. Review status: criteria provided, single submitter. Criteria: CeGaT Center For Human Genetics Tuebingen Variant Classification Criteria Version 2. Collection method: clinical testing. Allele origin: germline. Affected: yes. Observed: 2 variant alleles.
Comment: KDM4B: BP4, BP7

NM_015015.3(KDM4B):c.2250C>T (p.Gly750=)

Gene: KDM4B (lysine demethylase 4B; plus strand). Cytogenetic location: 19p13.3.
Variant type: single nucleotide variant.
Coding change: c.2250C>T on transcript NM_015015.3 (MANE Select); coding-DNA position 2250, C replaced by T.
Protein change: p.Gly750=; no amino-acid change (glycine 750 retained).
Molecular consequence: synonymous variant.
Genome position (GRCh38, 1-based): chr19:5,135,503, C>T. VCF-style: chr19-5135503-C-T. GRCh37 (hg19) VCF-style: chr19-5135514-C-T.
Other names: c.2352C>T, p.Gly784= (NM_001411148.1).
Identifiers: ClinVar variation 3905465 (VCV003905465.10).
Genomic context (GRCh38, chr19:5,135,503, plus strand): 5'-GATGTGCTTCACCTCTGGCGGTGAGAACACGGAGCCGCTGCCTGCCAACTCCTACATCGG[C>T]GACGACGGGACCAGCCCCCTGATCGCCTGCGGCAAGTGCTGCCTGCAGGTCCATGCCAGT-3'
Protein context (NP_055830.1, residues 740-760): TEPLPANSYI[Gly750=]DDGTSPLIAC